The following is an entry in ClinVar:

NM_015346.4(ZFYVE26):c.1367C>T (p.Ala456Val)

Gene: ZFYVE26 (zinc finger FYVE-type containing 26; minus strand). Cytogenetic location: 14q24.1.
Variant type: single nucleotide variant.
Coding change: c.1367C>T on transcript NM_015346.4 (MANE Select); coding-DNA position 1367, C replaced by T.
Protein change: p.Ala456Val; replaces alanine 456 with valine.
Molecular consequence: missense variant.
Genome position (GRCh38, 1-based): chr14:67,804,169, G>A on the plus strand (C>T on the coding strand, the complement: ZFYVE26 is on the minus strand). VCF-style: chr14-67804169-G-A. GRCh37 (hg19) VCF-style: chr14-68270886-G-A.
Other names: short protein forms A456V.
Identifiers: ClinVar variation 969263 (VCV000969263.4), dbSNP rs955123371, ClinGen allele CA262872640.

ClinVar aggregate classification (germline): Uncertain significance. Review status: criteria provided, multiple submitters, no conflicts (2 of 4 stars). 2 submissions from 2 submitters: Uncertain significance (2). Last evaluated 2021-08-27.

Conditions:
Spastic paraplegia. Identifiers: MedGen C0037772, HP:0001258.

Allele frequency attached by ClinVar (database versions not stated): gnomAD exomes below 0.00001.
gnomAD v4.1: 1 of 1,614,218 alleles (0.000062%); highest among the groups gnomAD compares: Middle Eastern, 0.016%; no homozygotes.

Submissions (2):

Labcorp Genetics (formerly Invitae), Labcorp
Classification: Uncertain significance for Spastic paraplegia. Last evaluated: 2021-08-27. Review status: criteria provided, single submitter. Criteria: Invitae Variant Classification Sherloc (09022015). Collection method: clinical testing. Allele origin: germline.
Comment: This sequence change replaces alanine with valine at codon 456 of the ZFYVE26 protein (p.Ala456Val). The alanine residue is highly conserved and there is a small physicochemical difference between alanine and valine. This variant is not present in population databases (ExAC no frequency). This variant has not been reported in the literature in individuals affected with ZFYVE26-related conditions. Algorithms developed to predict the effect of missense changes on protein structure and function (SIFT, PolyPhen-2, Align-GVGD) all suggest that this variant is likely to be tolerated. In summary, the available evidence is currently insufficient to determine the role of this variant in disease. Therefore, it has been classified as a Variant of Uncertain Significance.

Blueprint Genetics
Classification: Uncertain significance. Last evaluated: 2021-05-27. Review status: criteria provided, single submitter. Criteria: ACMG Guidelines, 2015. Collection method: clinical testing. Allele origin: germline.